The following is an entry in ClinVar:

ClinVar aggregate classification (germline): Pathogenic/Likely pathogenic. Review status: criteria provided, multiple submitters, no conflicts (2 of 4 stars). 6 submissions from 6 submitters: Pathogenic (4); Likely pathogenic (2). Last evaluated 2025-08-06.

Conditions:
Merosin deficient congenital muscular dystrophy (MDC1A). Also called: Congenital merosin-deficient muscular dystrophy 1A; Congenital Muscular Dystrophy Type 1A (MDC1A). Identifiers: Orphanet 258, MedGen C1263858, MONDO:0011925, OMIM 607855.
Muscular dystrophy, limb-girdle, autosomal recessive 23. Identifiers: Orphanet 565837, MedGen C4748327, MONDO:0029136, OMIM 618138.
LAMA2-related muscular dystrophy (LAMA2-RD). Also called: Laminin alpha 2-related dystrophy. Identifiers: MedGen C5679788, MONDO:0100228.

Allele frequency attached by ClinVar (database versions not stated): gnomAD exomes below 0.00001 and 0.00001; TOPMed 0.00001; gnomAD 0.00002.
gnomAD v4.1: 11 of 1,612,168 alleles (0.00068%); highest among the groups gnomAD compares: African/African-American, 0.0013%; no homozygotes.

Submissions (6):

Labcorp Genetics (formerly Invitae), Labcorp
Classification: Pathogenic for LAMA2-related muscular dystrophy. Last evaluated: 2025-08-06. Review status: criteria provided, single submitter. Criteria: Invitae Variant Classification Sherloc (09022015). Collection method: clinical testing. Allele origin: germline.
Comment: This sequence change affects a donor splice site in intron 45 of the LAMA2 gene. It is expected to disrupt RNA splicing. Variants that disrupt the donor or acceptor splice site typically lead to a loss of protein function (PMID: 16199547), and loss-of-function variants in LAMA2 are known to be pathogenic (PMID: 18700894, 32904964). This variant is present in population databases (no rsID available, gnomAD 0.004%). Disruption of this splice site has been observed in individual(s) with congenital muscular dystrophy (PMID: 30055037). ClinVar contains an entry for this variant (Variation ID: 556858). Algorithms developed to predict the effect of sequence changes on RNA splicing suggest that this variant may disrupt the consensus splice site. For these reasons, this variant has been classified as Pathogenic.

Baylor Genetics
Classification: Likely pathogenic for Merosin deficient congenital muscular dystrophy. Last evaluated: 2023-05-12. Review status: criteria provided, single submitter. Criteria: ACMG Guidelines, 2015. Collection method: clinical testing. Allele origin: unknown.

Revvity Omics, Revvity
Classification: Pathogenic. Last evaluated: 2022-07-13. Review status: criteria provided, single submitter. Criteria: ACMG Guidelines, 2015. Collection method: clinical testing. Allele origin: germline.

Greenwood Genetic Center Diagnostic Laboratories, Greenwood Genetic Center
Classification: Likely pathogenic for Merosin deficient congenital muscular dystrophy; Muscular dystrophy, limb-girdle, autosomal recessive 23. Last evaluated: 2021-12-30. Review status: criteria provided, single submitter. Criteria: ACMG Guidelines, 2015. Collection method: clinical testing. Allele origin: germline. Affected: yes.
Comment: PVS1, PM2

Myriad Genetics, Inc.
Classification: Pathogenic for LAMA2-related muscular dystrophy. Last evaluated: 2021-11-16. Review status: criteria provided, single submitter. Criteria: Myriad Autosomal Dominant, Autosomal Recessive and X-Linked Classification Criteria (2023). Collection method: clinical testing. Allele origin: unknown.
Comment: NM_000426.3(LAMA2):c.6429+1G>T is a canonical splice variant classified as pathogenic in the context of muscular dystrophy, LAMA2-related. c.6429+1G>T has been observed in cases with relevant disease (PMID: 30055037). Functional assessments of this variant are not available in the literature. c.6429+1G>T has been observed in population frequency databases (gnomAD: NFE <0.001%). In summary, NM_000426.3(LAMA2):c.6429+1G>T is a canonical splice variant in a gene where loss of function is a known mechanism of disease, is predicted to disrupt protein function, and has been observed more frequently in cases with the relevant disease than in healthy populations. Please note: this variant was assessed in the context of healthy population screening.

Fulgent Genetics
Classification: Pathogenic for Merosin deficient congenital muscular dystrophy; Muscular dystrophy, limb-girdle, autosomal recessive 23. Last evaluated: 2021-10-17. Review status: criteria provided, single submitter. Criteria: ACMG Guidelines, 2015. Collection method: clinical testing. Allele origin: unknown.

Literature cited by the submitters: PubMed 16199547 (cited by Labcorp Genetics (formerly Invitae), Labcorp); PubMed 18700894 (cited by Labcorp Genetics (formerly Invitae), Labcorp); PubMed 32904964 (cited by Labcorp Genetics (formerly Invitae), Labcorp); PubMed 30055037 (cited by Labcorp Genetics (formerly Invitae), Labcorp and Myriad Genetics, Inc.).

NM_000426.4(LAMA2):c.6429+1G>T

Gene: LAMA2 (laminin subunit alpha 2; plus strand). Cytogenetic location: 6q22.33.
Variant type: single nucleotide variant.
Coding change: c.6429+1G>T on transcript NM_000426.4 (MANE Select); the canonical splice donor site of the intron after coding-DNA position 6429, G replaced by T.
Molecular consequence: splice donor variant.
Genome position (GRCh38, 1-based): chr6:129,445,822, G>T. VCF-style: chr6-129445822-G-T. GRCh37 (hg19) VCF-style: chr6-129766967-G-T.
Other names: c.6429+1G>T (NM_001079823.2).
Identifiers: ClinVar variation 556858 (VCV000556858.25), dbSNP rs1262029350, ClinGen allele CA365632411.